The following is an entry in ClinVar:

ClinVar aggregate classification (germline): Uncertain significance. Review status: criteria provided, single submitter (1 of 4 stars). 2 submissions from 2 submitters: Uncertain significance (1). 1 of the submissions does not count toward it. Last evaluated 2023-07-17.

Conditions:
maculopathy.

Allele frequency attached by ClinVar (database versions not stated): gnomAD exomes below 0.00001; TOPMed 0.00001.
gnomAD v4.1: 2 of 1,613,842 alleles (0.00012%); highest among the groups gnomAD compares: African/African-American, 0.0013%; no homozygotes.

Submissions (2):

Labcorp Genetics (formerly Invitae), Labcorp
Classification: Uncertain significance. Last evaluated: 2023-07-17. Review status: criteria provided, single submitter. Criteria: Invitae Variant Classification Sherloc (09022015). Collection method: clinical testing. Allele origin: germline.
Comment: In summary, the available evidence is currently insufficient to determine the role of this variant in disease. Therefore, it has been classified as a Variant of Uncertain Significance. Advanced modeling of protein sequence and biophysical properties (such as structural, functional, and spatial information, amino acid conservation, physicochemical variation, residue mobility, and thermodynamic stability) performed at Invitae indicates that this missense variant is not expected to disrupt CDHR1 protein function. ClinVar contains an entry for this variant (Variation ID: 812259). This missense change has been observed in individual(s) with CDHR1-related conditions (PMID: 31456290). This variant is not present in population databases (gnomAD no frequency). This sequence change replaces glycine, which is neutral and non-polar, with aspartic acid, which is acidic and polar, at codon 276 of the CDHR1 protein (p.Gly276Asp).

Sharon lab, Hadassah-Hebrew University Medical Center
Classification: Likely pathogenic for Maculopathy. Last evaluated: 2019-06-23. Review status: no assertion criteria provided. Collection method: research. Allele origin: inherited. Affected: yes. Not counted in ClinVar's aggregate classification.

Literature cited by the submitters: PubMed 31456290 (cited by Labcorp Genetics (formerly Invitae), Labcorp).

NM_033100.4(CDHR1):c.827G>A (p.Gly276Asp)

Gene: CDHR1 (cadherin related family member 1; plus strand). Cytogenetic location: 10q23.1.
Variant type: single nucleotide variant.
Coding change: c.827G>A on transcript NM_033100.4 (MANE Select); coding-DNA position 827, G replaced by A.
Protein change: p.Gly276Asp; replaces glycine 276 with aspartic acid.
Molecular consequence: missense variant.
Genome position (GRCh38, 1-based): chr10:84,204,570, G>A. VCF-style: chr10-84204570-G-A. GRCh37 (hg19) VCF-style: chr10-85964326-G-A.
Other names: c.827G>A, p.Gly276Asp (NM_001171971.3); short protein forms G276D.
Identifiers: ClinVar variation 812259 (VCV000812259.9), dbSNP rs1589300382, ClinGen allele CA377373403.
Genomic context (GRCh38, chr10:84,204,570, plus strand): 5'-GTTCCTGTTTCCCCGAGGGCTCGGAGGTACTGAAGGTGGTCGCCATGGATGGAGACCGGG[G>A]CAAACCCAATCGAATTCTCTACAGCCTTGTAAATGGTGAGTCTGAGCAGCTTTGGGGGCT-3'
Protein context (NP_149091.1, residues 266-286): LKVVAMDGDR[Gly276Asp]KPNRILYSLV